The following is an entry in ClinVar:

NM_001376.5(DYNC1H1):c.4864G>C (p.Glu1622Gln)

Gene: DYNC1H1 (dynein cytoplasmic 1 heavy chain 1; plus strand). Cytogenetic location: 14q32.31.
Variant type: single nucleotide variant.
Coding change: c.4864G>C on transcript NM_001376.5 (MANE Select); coding-DNA position 4864, G replaced by C.
Protein change: p.Glu1622Gln; replaces glutamic acid 1622 with glutamine.
Molecular consequence: missense variant.
Genome position (GRCh38, 1-based): chr14:102,002,946, G>C. VCF-style: chr14-102002946-G-C. GRCh37 (hg19) VCF-style: chr14-102469283-G-C.
Other names: short protein forms E1622Q.
Identifiers: ClinVar variation 2730430 (VCV002730430.4), dbSNP rs2503734450, ClinGen allele CA391043708.

ClinVar aggregate classification (germline): Uncertain significance. Review status: criteria provided, multiple submitters, no conflicts (2 of 4 stars). 2 submissions from 2 submitters: Uncertain significance (2). Last evaluated 2023-12-11.

Conditions:
Charcot-Marie-Tooth disease axonal type 2O. Also called: Charcot-Marie-Tooth disease, axonal, type 20; CHARCOT-MARIE-TOOTH NEUROPATHY, AXONAL, TYPE 2O; CHARCOT-MARIE-TOOTH DISEASE, AXONAL, AUTOSOMAL DOMINANT, TYPE 2O; Charcot-Marie-Tooth Neuropathy Type 2O. Identifiers: Orphanet 284232, MedGen C3280220, MONDO:0013644, OMIM 614228.

Allele frequency attached by ClinVar (database versions not stated): gnomAD exomes below 0.00001.
gnomAD v4.1: 4 of 1,614,168 alleles (0.00025%); highest among the groups gnomAD compares: Non-Finnish European, 0.00034%; no homozygotes.

Submissions (2):

GeneDx
Classification: Uncertain significance. Last evaluated: 2023-12-11. Review status: criteria provided, single submitter. Criteria: GeneDx Variant Classification Process June 2021. Collection method: clinical testing. Allele origin: germline. Affected: yes.
Comment: Not observed at significant frequency in large population cohorts (gnomAD); In silico analysis supports that this missense variant does not alter protein structure/function; Has not been previously published as pathogenic or benign to our knowledge; This variant is associated with the following publications: (PMID: 25512093, 25609763, 26100331)

Labcorp Genetics (formerly Invitae), Labcorp
Classification: Uncertain significance for Charcot-Marie-Tooth disease axonal type 2O. Last evaluated: 2023-10-22. Review status: criteria provided, single submitter. Criteria: Invitae Variant Classification Sherloc (09022015). Collection method: clinical testing. Allele origin: germline.
Comment: This sequence change replaces glutamic acid, which is acidic and polar, with glutamine, which is neutral and polar, at codon 1622 of the DYNC1H1 protein (p.Glu1622Gln). This variant is not present in population databases (gnomAD no frequency). This variant has not been reported in the literature in individuals affected with DYNC1H1-related conditions. Advanced modeling of protein sequence and biophysical properties (such as structural, functional, and spatial information, amino acid conservation, physicochemical variation, residue mobility, and thermodynamic stability) has been performed at Invitae for this missense variant, however the output from this modeling did not meet the statistical confidence thresholds required to predict the impact of this variant on DYNC1H1 protein function. In summary, the available evidence is currently insufficient to determine the role of this variant in disease. Therefore, it has been classified as a Variant of Uncertain Significance.